The following is an entry in ClinVar:

ClinVar aggregate classification (germline): Benign. Review status: reviewed by expert panel (3 of 4 stars). 2 submissions from 2 submitters: Benign (1). 1 of the submissions does not count toward it. Last evaluated 2015-01-12.

Conditions:
Breast-ovarian cancer, familial, susceptibility to, 2 (BROVCA2). Also called: BRCA2 Hereditary Breast and Ovarian Cancer. Identifiers: Orphanet 145, MedGen C2675520, MONDO:0012933, OMIM 612555. Disease mechanism: loss of function.

Allele frequency attached by ClinVar (database versions not stated): 1000 Genomes Project 30x 0.16724; 1000 Genomes Project 0.17013; TOPMed 0.21560; gnomAD 0.22376 and 0.22797.
gnomAD v4.1: 33,997 of 151,844 alleles (22%); highest among the groups gnomAD compares: Non-Finnish European, 27%; 4,161 homozygotes.

Submissions (2):

Evidence-based Network for the Interpretation of Germline Mutant Alleles (ENIGMA)
Classification: Benign for Breast-ovarian cancer, familial 2. Last evaluated: 2015-01-12. Review status: reviewed by expert panel. Criteria: ENIGMA BRCA1/2 Classification Criteria (2015). Collection method: curation. Allele origin: germline.
Comment: Class 1 not pathogenic based on frequency >1% in an outbred sampleset. Frequency 0.06294 (Asian), 0.2012 (African), 0.2836 (European), derived from 1000 genomes (2012-04-30).

GeneDx
Classification: Benign. Last evaluated: 2018-07-09. Review status: criteria provided, single submitter. Criteria: GeneDx Variant Classification Process June 2021. Collection method: clinical testing. Allele origin: germline. Affected: yes. Not counted in ClinVar's aggregate classification.

NM_000059.4(BRCA2):c.8632+300A>T

Gene: BRCA2 (BRCA2 DNA repair associated; plus strand). Cytogenetic location: 13q13.1.
Variant type: single nucleotide variant.
Coding change: c.8632+300A>T on transcript NM_000059.4 (MANE Select); 300 bases into the intron after coding-DNA position 8632, A replaced by T.
Molecular consequence: intron variant.
Genome position (GRCh38, 1-based): chr13:32,371,400, A>T. VCF-style: chr13-32371400-A-T. GRCh37 (hg19) VCF-style: chr13-32945537-A-T.
Other names: IVS 20+300A>T.
Identifiers: ClinVar variation 209816 (VCV000209816.4), dbSNP rs10492395, ClinGen allele CA276784.
Genomic context (GRCh38, chr13:32,371,400, plus strand): 5'-CTTTTGCATTTTTGTCATGGTAGTTATTAGCTTTCATGTGTTATTATGCCTGGAACTAGG[A>T]CCTATTGTGGTGTCAATTTTAATATTAAAAATCATGGTGTTTTGATGTTTATATGACATA-3'